The following is an entry in ClinVar:

ClinVar aggregate classification (germline): Pathogenic (1 of 4 stars; one submission).

Conditions:
Charlevoix-Saguenay spastic ataxia (SACS). Also called: SPASTIC ATAXIA 6, AUTOSOMAL RECESSIVE; AUTOSOMAL RECESSIVE SPASTIC ATAXIA OF CHARLEVOIX-SAGUENAY; Spastic ataxia of Charlevoix-Saguenay. Identifiers: Orphanet 98, MedGen C1849140, MONDO:0010041, OMIM 270550.

Submission:

Myriad Genetics, Inc.
Classification: Pathogenic for Charlevoix-Saguenay spastic ataxia. Last evaluated: 2025-07-09. Review status: criteria provided, single submitter. Criteria: Myriad Autosomal Dominant, Autosomal Recessive and X-Linked Classification Criteria (2023). Collection method: clinical testing. Allele origin: unknown.
Comment: NM_014363.4(SACS):c.4089_4101del13(R1364Afs*25) is a frameshift variant classified as pathogenic in the context of autosomal recessive spastic ataxia of Charlevoix-Saguenay. R1364Afs*25 has not been observed in cases with relevant disease. Relevant functional assessments of this variant are not available in the literature. R1364Afs*25 has not been observed in referenced population frequency databases. In summary, NM_014363.4(SACS):c.4089_4101del13(R1364Afs*25) is a frameshift variant in a gene where loss of function is a known mechanism of disease and is predicted to disrupt protein function. Please note: this variant was assessed in the context of healthy population screening.

NM_014363.6(SACS):c.4089_4101del (p.Arg1364fs)

Gene: SACS (sacsin molecular chaperone; minus strand). Cytogenetic location: 13q12.12.
Variant type: Deletion.
Coding change: c.4089_4101del on transcript NM_014363.6 (MANE Select); coding-DNA positions 4089 to 4101, 13 bases deleted (CAGATGGCTGTAT).
Protein change: p.Arg1364fs; shifts the reading frame from arginine 1364.
Molecular consequence: frameshift variant.
Genome position (GRCh38, 1-based): chr13:23,339,775-23,339,787, ATACAGCCATCTG deleted on the plus strand (CAGATGGCTGTAT on the coding strand, the reverse complement: SACS is on the minus strand); deleting any 13 consecutive bases within chr13:23,339,775-23,339,790 gives the same sequence; the c. name uses the placement nearest the transcript's 3' end. VCF-style (leftmost placement, unchanged base first): chr13-23339774-TATACAGCCATCTG-T. GRCh37 (hg19) VCF-style: chr13-23913913-TATACAGCCATCTG-T.
Other names: c.3648_3660del, p.Arg1217fs (NM_001278055.2); c.4116_4128del, p.Arg1373fs (NM_001437336.1); short protein forms R1217fs, R1364fs, R1373fs.
Identifiers: ClinVar variation 4081790 (VCV004081790.1).